The following is an entry in ClinVar:

NM_001886.3(CRYBA4):c.214G>A (p.Gly72Ser)

Gene: CRYBA4 (crystallin beta A4; plus strand). Cytogenetic location: 22q12.1.
Variant type: single nucleotide variant.
Coding change: c.214G>A on transcript NM_001886.3 (MANE Select); coding-DNA position 214, G replaced by A.
Protein change: p.Gly72Ser; replaces glycine 72 with serine.
Molecular consequence: missense variant.
Genome position (GRCh38, 1-based): chr22:26,625,536, G>A. VCF-style: chr22-26625536-G-A. GRCh37 (hg19) VCF-style: chr22-27021500-G-A.
Other names: short protein forms G72S.
Identifiers: ClinVar variation 1024884 (VCV001024884.12), dbSNP rs1929676368, ClinGen allele CA411038038.

ClinVar aggregate classification (germline): Uncertain significance (1 of 4 stars; one submission).

Conditions:
Cataract 23 (CTRCT23). Also called: CATARACT 23, LAMELLAR; Cataract 23, multiple types. Identifiers: Orphanet 91492, MedGen C3808012, MONDO:0012489, OMIM 610425.

Submission:

Labcorp Genetics (formerly Invitae), Labcorp
Classification: Uncertain significance for Cataract 23. Last evaluated: 2020-01-25. Review status: criteria provided, single submitter. Criteria: Invitae Variant Classification Sherloc (09022015). Collection method: clinical testing. Allele origin: germline.
Comment: This variant is not present in population databases (ExAC no frequency). In summary, the available evidence is currently insufficient to determine the role of this variant in disease. Therefore, it has been classified as a Variant of Uncertain Significance. Algorithms developed to predict the effect of missense changes on protein structure and function (SIFT, PolyPhen-2, Align-GVGD) all suggest that this variant is likely to be disruptive, but these predictions have not been confirmed by published functional studies and their clinical significance is uncertain. This variant has not been reported in the literature in individuals with CRYBA4-related conditions. This sequence change replaces glycine with serine at codon 72 of the CRYBA4 protein (p.Gly72Ser). The glycine residue is highly conserved and there is a small physicochemical difference between glycine and serine.